The following is an entry in ClinVar:

ClinVar aggregate classification (germline): Uncertain significance. Review status: criteria provided, multiple submitters, no conflicts (2 of 4 stars). 2 submissions from 2 submitters: Uncertain significance (2). Last evaluated 2025-09-24.

Conditions:
Cardiovascular phenotype. Identifiers: MedGen CN230736.
Congenital primary aphakia. Also called: ANTERIOR SEGMENT DYSGENESIS 2; Anterior segment dysgenesis 2, multiple subtypes. Identifiers: Orphanet 83461, MedGen C1853230, MONDO:0012456, OMIM 610256.
Anterior segment dysgenesis. Also called: Ocular anterior segment dysgenesis. Identifiers: Orphanet 88632, MedGen C1862839, MONDO:0019503, HP:0007700.

Allele frequency attached by ClinVar (database versions not stated): TOPMed 0.00001.

Submissions (2):

Labcorp Genetics (formerly Invitae), Labcorp
Classification: Uncertain significance for Anterior segment dysgenesis; Congenital primary aphakia. Last evaluated: 2025-09-24. Review status: criteria provided, single submitter. Criteria: Invitae Variant Classification Sherloc (09022015). Collection method: clinical testing. Allele origin: germline.
Comment: This sequence change replaces leucine, which is neutral and non-polar, with valine, which is neutral and non-polar, at codon 261 of the FOXE3 protein (p.Leu261Val). This variant is present in population databases (no rsID available, gnomAD no frequency). This variant has not been reported in the literature in individuals affected with FOXE3-related conditions. ClinVar contains an entry for this variant (Variation ID: 2563297). Invitae Evidence Modeling of protein sequence and biophysical properties (such as structural, functional, and spatial information, amino acid conservation, physicochemical variation, residue mobility, and thermodynamic stability) indicates that this missense variant is not expected to disrupt FOXE3 protein function with a negative predictive value of 95%. In summary, the available evidence is currently insufficient to determine the role of this variant in disease. Therefore, it has been classified as a Variant of Uncertain Significance.

Ambry Genetics
Classification: Uncertain significance for Cardiovascular phenotype. Last evaluated: 2023-04-03. Review status: criteria provided, single submitter. Criteria: Ambry Variant Classification Scheme 2023. Collection method: clinical testing. Allele origin: germline.
Comment: The p.L261V variant (also known as c.781C>G), located in coding exon 1 of the FOXE3 gene, results from a C to G substitution at nucleotide position 781. The leucine at codon 261 is replaced by valine, an amino acid with highly similar properties. This amino acid position is conserved. In addition, this alteration is predicted to be tolerated by in silico analysis. Since supporting evidence is limited at this time, the clinical significance of this alteration remains unclear.

NM_012186.3(FOXE3):c.781C>G (p.Leu261Val)

Genes: FOXE3 (forkhead box E3; plus strand), LINC01389 (long independently transcribed non-coding RNA 1389; minus strand). Cytogenetic location: 1p33.
Variant type: single nucleotide variant.
Coding change: c.781C>G on transcript NM_012186.3 (MANE Select); coding-DNA position 781, C replaced by G.
Protein change: p.Leu261Val; replaces leucine 261 with valine.
Molecular consequence: missense variant.
Genome position (GRCh38, 1-based): chr1:47,417,096, C>G. VCF-style: chr1-47417096-C-G. GRCh37 (hg19) VCF-style: chr1-47882768-C-G.
Other names: short protein forms L261V.
Identifiers: ClinVar variation 2563297 (VCV002563297.5), dbSNP rs1192256092, ClinGen allele CA340250709.